The following is an entry in ClinVar:

NM_001099271.2(POC5):c.107A>G (p.His36Arg)

Gene: POC5 (POC5 centriolar protein; minus strand). Cytogenetic location: 5q13.3.
Variant type: single nucleotide variant.
Coding change: c.107A>G on transcript NM_001099271.2 (MANE Select); coding-DNA position 107, A replaced by G.
Protein change: p.His36Arg; replaces histidine 36 with arginine.
Molecular consequence: missense variant.
Genome position (GRCh38, 1-based): chr5:75,707,853, T>C on the plus strand (A>G on the coding strand, the complement: POC5 is on the minus strand). VCF-style: chr5-75707853-T-C. GRCh37 (hg19) VCF-style: chr5-75003678-T-C.
Other names: c.32A>G, p.His11Arg (NM_152408.3); short protein forms H11R, H36R.
Identifiers: ClinVar variation 1233562 (VCV001233562.12), dbSNP rs2307111, ClinGen allele CA3310642.
Genomic context (GRCh38, chr5:75,707,853, plus strand): 5'-CCCTTAGGATGAGATGACTGTGAAGCACAGGGTTCAATATTTGGAGTCACTATAGCATAA[T>C]GAAGCAGTTCTTCATATTCTTCCTAAGAGAGGCCAATAATCAATAATGTAGTGTAACAGT-3'
Protein context (NP_001092741.1, residues 26-46): NLQEEYEELL[His36Arg]YAIVTPNIEP

ClinVar aggregate classification (germline): Benign. Review status: criteria provided, multiple submitters, no conflicts (2 of 4 stars). 3 submissions from 3 submitters: Benign (3). Last evaluated 2026-02-04.

Allele frequency attached by ClinVar (database versions not stated): TOPMed 0.55976; 1000 Genomes Project 30x 0.62180; gnomAD 0.54890 and 0.55170; ESP Exome Variant Server 0.54437; 1000 Genomes Project 0.61562.
gnomAD v4.1: 690,776 of 1,582,712 alleles (44%); highest among the groups gnomAD compares: African/African-American, 86%; 160,315 homozygotes.

Submissions (3):

Labcorp Genetics (formerly Invitae), Labcorp
Classification: Benign. Last evaluated: 2026-02-04. Review status: criteria provided, single submitter. Criteria: Invitae Variant Classification Sherloc (09022015). Collection method: clinical testing. Allele origin: germline.

GeneDx
Classification: Benign. Last evaluated: 2020-07-26. Review status: criteria provided, single submitter. Criteria: GeneDx Variant Classification Process June 2021. Collection method: clinical testing. Allele origin: germline. Affected: yes.
Comment: This variant is associated with the following publications: (PMID: 30297969, 29632382, 28008009)

Breakthrough Genomics
Classification: Benign. Review status: criteria provided, single submitter. Criteria: ACMG Guidelines, 2015. Collection method: not provided. Allele origin: germline. Inheritance: Unknown mechanism. Affected: yes.